The following is an entry in ClinVar:

NM_001379081.2(FREM1):c.3018G>A (p.Ala1006=)

Gene: FREM1 (FRAS1 related extracellular matrix 1; minus strand). Cytogenetic location: 9p22.3.
Variant type: single nucleotide variant.
Coding change: c.3018G>A on transcript NM_001379081.2 (MANE Select); coding-DNA position 3018, G replaced by A.
Protein change: p.Ala1006=; no amino-acid change (alanine 1006 retained).
Molecular consequence: synonymous variant. On other transcripts: non-coding transcript variant (2).
Genome position (GRCh38, 1-based): chr9:14,808,010, C>T on the plus strand (G>A on the coding strand, the complement: FREM1 is on the minus strand). VCF-style: chr9-14808010-C-T. GRCh37 (hg19) VCF-style: chr9-14808008-C-T.
Other names: c.3018G>A, p.Ala1006= (NM_144966.7).
Identifiers: ClinVar variation 3058953 (VCV003058953.2), dbSNP rs761348507, ClinGen allele CA4990720.

ClinVar aggregate classification (germline): Likely benign (0 of 4 stars; one submission).

Conditions:
FREM1-related disorder. Also called: FREM1-Related Disorders; FREM1-related condition.

Allele frequency attached by ClinVar (database versions not stated): ExAC 0.00002; gnomAD 0.00002; gnomAD exomes 0.00002; TOPMed 0.00002.
gnomAD v4.1: 39 of 1,613,574 alleles (0.0024%); highest among the groups gnomAD compares: East Asian, 0.0045%; no homozygotes.

Submission:

PreventionGenetics, part of Exact Sciences
Classification: Likely benign for FREM1-related condition. Last evaluated: 2023-05-23. Review status: no assertion criteria provided. Collection method: clinical testing. Allele origin: germline.
Comment: This variant is classified as likely benign based on ACMG/AMP sequence variant interpretation guidelines (Richards et al. 2015 PMID: 25741868, with internal and published modifications).